The following is an entry in ClinVar:

ClinVar aggregate classification (germline): Pathogenic (1 of 4 stars; one submission).

Conditions:
Generalized epilepsy with febrile seizures plus, type 9 (GEFSP9). Also called: GEFS+, TYPE 9. Identifiers: Orphanet 36387, MedGen C4015395, MONDO:0014517, OMIM 616172.

Submission:

Labcorp Genetics (formerly Invitae), Labcorp
Classification: Pathogenic for Generalized epilepsy with febrile seizures plus, type 9. Last evaluated: 2021-08-09. Review status: criteria provided, single submitter. Criteria: Invitae Variant Classification Sherloc (09022015). Collection method: clinical testing. Allele origin: germline.
Comment: For these reasons, this variant has been classified as Pathogenic. A similar copy number variant has been observed in individual(s) with myoclonic astatic epilepsy, developmental delay, and dysmorphic features and epilepsy and intellectual disability (PMID: 25362483, 26818399, 31273778). A gross deletion of the genomic region encompassing the full coding sequence of the STX1B gene has been identified. Loss-of-function variants in STX1B are known to be pathogenic (PMID: 25362483). The boundaries of this event are unknown as they extend beyond the assayed region for this gene and therefore may encompass additional genes.

Literature cited by the submitters: PubMed 25362483; PubMed 26818399; PubMed 31273778.

NC_000016.9:g.(?_30996980)_(31021717_?)del

Genes: HSD3B7 (hydroxy-delta-5-steroid dehydrogenase, 3 beta- and steroid delta-isomerase 7; plus strand), STX1B (syntaxin 1B; minus strand). Cytogenetic location: 16p11.2.
Variant type: Deletion.
Identifiers: ClinVar variation 1458547 (VCV001458547.4).